The following is an entry in ClinVar:

NM_000260.4(MYO7A):c.3803C>T (p.Thr1268Ile)

Gene: MYO7A (myosin VIIA; plus strand). Cytogenetic location: 11q13.5.
Variant type: single nucleotide variant.
Coding change: c.3803C>T on transcript NM_000260.4 (MANE Select); coding-DNA position 3803, C replaced by T.
Protein change: p.Thr1268Ile; replaces threonine 1268 with isoleucine.
Molecular consequence: missense variant.
Genome position (GRCh38, 1-based): chr11:77,190,749, C>T. VCF-style: chr11-77190749-C-T. GRCh37 (hg19) VCF-style: chr11-76901794-C-T.
Other names: c.3803C>T, p.Thr1268Ile (NM_001127180.2); c.3770C>T, p.Thr1257Ile (NM_001369365.1); short protein forms T1257I, T1268I.
Identifiers: ClinVar variation 3602293 (VCV003602293.1).

ClinVar aggregate classification (germline): Uncertain significance (1 of 4 stars; one submission).

gnomAD v4.1: 1 of 1,599,756 alleles (0.000063%); highest among the groups gnomAD compares: Admixed American, 0.0017%; no homozygotes.

Submission:

GeneDx
Classification: Uncertain significance. Last evaluated: 2024-08-01. Review status: criteria provided, single submitter. Criteria: GeneDx Variant Classification Process June 2021. Collection method: clinical testing. Allele origin: germline. Affected: yes.
Comment: Not observed at significant frequency in large population cohorts (gnomAD); In silico analysis supports that this missense variant has a deleterious effect on protein structure/function; Has not been previously published as pathogenic or benign to our knowledge